The following is an entry in ClinVar:

NM_003070.5(SMARCA2):c.4540G>C (p.Asp1514His)

Gene: SMARCA2 (SWI/SNF related BAF chromatin remodeling complex subunit ATPase 2; plus strand). Cytogenetic location: 9p24.3.
Variant type: single nucleotide variant.
Coding change: c.4540G>C on transcript NM_003070.5 (MANE Select); coding-DNA position 4540, G replaced by C.
Protein change: p.Asp1514His; replaces aspartic acid 1514 with histidine.
Molecular consequence: missense variant.
Genome position (GRCh38, 1-based): chr9:2,186,174, G>C. VCF-style: chr9-2186174-G-C. GRCh37 (hg19) VCF-style: chr9-2186174-G-C.
Other names: c.4540G>C, p.Asp1514His (NM_001289396.2); c.4312G>C, p.Asp1438His (NM_001289397.2); c.514G>C, p.Asp172His (NM_001289398.2); c.598G>C, p.Asp200His (NM_001289399.2); c.604G>C, p.Asp202His (NM_001289400.2); c.4486G>C, p.Asp1496His (NM_139045.4); short protein forms D1496H, D1514H, D172H, D200H, D1438H, D202H.
Identifiers: ClinVar variation 2982131 (VCV002982131.3), dbSNP rs1446121442, ClinGen allele CA372791302.

ClinVar aggregate classification (germline): Uncertain significance (1 of 4 stars; one submission).

Submission:

Labcorp Genetics (formerly Invitae), Labcorp
Classification: Uncertain significance. Last evaluated: 2023-01-05. Review status: criteria provided, single submitter. Criteria: Invitae Variant Classification Sherloc (09022015). Collection method: clinical testing. Allele origin: germline.
Comment: This sequence change replaces aspartic acid, which is acidic and polar, with histidine, which is basic and polar, at codon 1514 of the SMARCA2 protein (p.Asp1514His). In summary, the available evidence is currently insufficient to determine the role of this variant in disease. Therefore, it has been classified as a Variant of Uncertain Significance. Advanced modeling of protein sequence and biophysical properties (such as structural, functional, and spatial information, amino acid conservation, physicochemical variation, residue mobility, and thermodynamic stability) performed at Invitae indicates that this missense variant is not expected to disrupt SMARCA2 protein function. This variant has not been reported in the literature in individuals affected with SMARCA2-related conditions. This variant is not present in population databases (gnomAD no frequency).